The following is an entry in ClinVar:

NM_000382.3(ALDH3A2):c.427A>G (p.Thr143Ala)

Gene: ALDH3A2 (aldehyde dehydrogenase 3 family member A2; plus strand). Cytogenetic location: 17p11.2.
Variant type: single nucleotide variant.
Coding change: c.427A>G on transcript NM_000382.3 (MANE Select); coding-DNA position 427, A replaced by G.
Protein change: p.Thr143Ala; replaces threonine 143 with alanine.
Molecular consequence: missense variant. On other transcripts: 5 prime UTR variant (1).
Genome position (GRCh38, 1-based): chr17:19,652,588, A>G. VCF-style: chr17-19652588-A-G. GRCh37 (hg19) VCF-style: chr17-19555901-A-G.
Other names: c.427A>G, p.Thr143Ala (NM_001031806.2, NM_001369136.1, NM_001369137.2 and 3 more transcripts); c.-262A>G (NM_001369148.2); short protein forms T143A.
Identifiers: ClinVar variation 1460677 (VCV001460677.3), dbSNP rs2152326741, ClinGen allele CA398703114.

ClinVar aggregate classification (germline): Uncertain significance (1 of 4 stars; one submission).

Submission:

Labcorp Genetics (formerly Invitae), Labcorp
Classification: Uncertain significance. Last evaluated: 2022-02-26. Review status: criteria provided, single submitter. Criteria: Invitae Variant Classification Sherloc (09022015). Collection method: clinical testing. Allele origin: germline.
Comment: This sequence change replaces threonine, which is neutral and polar, with alanine, which is neutral and non-polar, at codon 143 of the ALDH3A2 protein (p.Thr143Ala). This variant is not present in population databases (gnomAD no frequency). This variant has not been reported in the literature in individuals affected with ALDH3A2-related conditions. Algorithms developed to predict the effect of missense changes on protein structure and function are either unavailable or do not agree on the potential impact of this missense change (SIFT: "Tolerated"; PolyPhen-2: "Possibly Damaging"; Align-GVGD: "Class C0"). In summary, the available evidence is currently insufficient to determine the role of this variant in disease. Therefore, it has been classified as a Variant of Uncertain Significance.